The following is an entry in ClinVar:

ClinVar aggregate classification (germline): Uncertain significance (1 of 4 stars; one submission).

Submission:

Labcorp Genetics (formerly Invitae), Labcorp
Classification: Uncertain significance. Last evaluated: 2022-02-08. Review status: criteria provided, single submitter. Criteria: Invitae Variant Classification Sherloc (09022015). Collection method: clinical testing. Allele origin: germline.
Comment: This sequence change replaces threonine, which is neutral and polar, with serine, which is neutral and polar, at codon 155 of the TYRP1 protein (p.Thr155Ser). This variant is not present in population databases (gnomAD no frequency). This variant has not been reported in the literature in individuals affected with TYRP1-related conditions. Algorithms developed to predict the effect of missense changes on protein structure and function (SIFT, PolyPhen-2, Align-GVGD) all suggest that this variant is likely to be tolerated. In summary, the available evidence is currently insufficient to determine the role of this variant in disease. Therefore, it has been classified as a Variant of Uncertain Significance.

NM_000550.3(TYRP1):c.463A>T (p.Thr155Ser)

Gene: TYRP1 (tyrosinase related protein 1; plus strand). Cytogenetic location: 9p23.
Variant type: single nucleotide variant.
Coding change: c.463A>T on transcript NM_000550.3 (MANE Select); coding-DNA position 463, A replaced by T.
Protein change: p.Thr155Ser; replaces threonine 155 with serine.
Molecular consequence: missense variant.
Genome position (GRCh38, 1-based): chr9:12,695,592, A>T. VCF-style: chr9-12695592-A-T. GRCh37 (hg19) VCF-style: chr9-12695592-A-T.
Other names: short protein forms T155S.
Identifiers: ClinVar variation 2094915 (VCV002094915.4), dbSNP rs2537276257, ClinGen allele CA372937130.